The following is an entry in ClinVar:

NM_000264.5(PTCH1):c.3307G>T (p.Ala1103Ser)

Gene: PTCH1 (patched 1; minus strand). Cytogenetic location: 9q22.32.
Variant type: single nucleotide variant.
Coding change: c.3307G>T on transcript NM_000264.5 (MANE Select); coding-DNA position 3307, G replaced by T.
Protein change: p.Ala1103Ser; replaces alanine 1103 with serine.
Molecular consequence: missense variant. On other transcripts: non-coding transcript variant (1).
Genome position (GRCh38, 1-based): chr9:95,453,620, C>A on the plus strand (G>T on the coding strand, the complement: PTCH1 is on the minus strand). VCF-style: chr9-95453620-C-A. GRCh37 (hg19) VCF-style: chr9-98215902-C-A.
Other names: c.3109G>T, p.Ala1037Ser (NM_001083602.3); c.3304G>T, p.Ala1102Ser (NM_001083603.3); c.2854G>T, p.Ala952Ser (NM_001083604.3, NM_001083605.3, NM_001083606.3 and 1 more transcripts); c.3151G>T, p.Ala1051Ser (NM_001354918.2); short protein forms A1051S, A1102S, A1103S, A952S, A1037S.
Identifiers: ClinVar variation 1043129 (VCV001043129.11), dbSNP rs1838668785, ClinGen allele CA374111934.

ClinVar aggregate classification (germline): Uncertain significance. Review status: criteria provided, multiple submitters, no conflicts (2 of 4 stars). 3 submissions from 3 submitters: Uncertain significance (3). Last evaluated 2025-11-21.

Conditions:
Hereditary cancer-predisposing syndrome. Also called: Hereditary neoplastic syndrome; Neoplastic Syndromes, Hereditary; Tumor predisposition; Hereditary Cancer Syndrome. Identifiers: Orphanet 140162, MedGen C0027672, MeSH D009386, MONDO:0015356.
Gorlin syndrome. Also called: Nevoid Basal Cell Carcinoma Syndrome; Basal cell nevus syndrome. Identifiers: Orphanet 377, MedGen C0004779, MONDO:0007187.

Submissions (3):

Helix
Classification: Uncertain significance for Gorlin syndrome. Last evaluated: 2025-11-21. Review status: criteria provided, single submitter. Criteria: ACMG Guidelines, 2015. Collection method: clinical testing. Allele origin: germline. Inheritance: Autosomal dominant inheritance.
Comment: This variant (NM_000264.5:c.3307G>T p.Ala1103Ser) results in the substitution of alanine with serine at codon 1103 in the PTCH1 protein. It impacts the first nucleotide of an exon, which is part of the consensus splice site. This variant is also known as c.3304G>T (p.Ala1102Ser). It is a rare variant that is absent from the large gnomAD population database (v4.1). To our knowledge, this variant has not been reported in individuals with PTCH1-related conditions in the published literature. In silico prediction from SpliceAI (PMID: 30661751) suggests this variant does not have an impact on splicing. In silico prediction from REVEL (PMID: 27666373) suggests that this variant may be deleterious. This variant is present in ClinVar (Accession: VCV001043129.10). In conclusion, since the available evidence is limited, the clinical significance of this variant is unclear at this time. Therefore, it is classified as a Variant of Uncertain Significance.

Labcorp Genetics (formerly Invitae), Labcorp
Classification: Uncertain significance for Gorlin syndrome. Last evaluated: 2024-08-03. Review status: criteria provided, single submitter. Criteria: Invitae Variant Classification Sherloc (09022015). Collection method: clinical testing. Allele origin: germline.
Comment: This sequence change replaces alanine, which is neutral and non-polar, with serine, which is neutral and polar, at codon 1103 of the PTCH1 protein (p.Ala1103Ser). This variant is not present in population databases (gnomAD no frequency). This variant has not been reported in the literature in individuals affected with PTCH1-related conditions. ClinVar contains an entry for this variant (Variation ID: 1043129). An algorithm developed to predict the effect of missense changes on protein structure and function (PolyPhen-2) suggests that this variant is likely to be tolerated. Algorithms developed to predict the effect of sequence changes on RNA splicing suggest that this variant may disrupt the consensus splice site. In summary, the available evidence is currently insufficient to determine the role of this variant in disease. Therefore, it has been classified as a Variant of Uncertain Significance.

Ambry Genetics
Classification: Uncertain significance for Hereditary cancer-predisposing syndrome. Last evaluated: 2022-02-08. Review status: criteria provided, single submitter. Criteria: Ambry Variant Classification Scheme 2023. Collection method: clinical testing. Allele origin: germline.
Comment: The p.A1103S variant (also known as c.3307G>T) is located in coding exon 20 of the PTCH1 gene. The alanine at codon 1103 is replaced by serine, an amino acid with similar properties. This change occurs in the first base pair of coding exon 20. This amino acid position is conserved. In addition, this alteration is predicted to be deleterious by in silico analysis. Since supporting evidence is limited at this time, the clinical significance of this alteration remains unclear.